The following is an entry in ClinVar:

ClinVar aggregate classification (germline): Conflicting classifications of pathogenicity. Review status: criteria provided, conflicting classifications (1 of 4 stars). 7 submissions from 6 submitters: Uncertain significance (2); Benign (1); Likely benign (3). 1 of the submissions does not count toward it. Last evaluated 2026-02-04.

Conditions:
Inborn genetic diseases. Identifiers: MedGen C0950123, MeSH D030342.
Hereditary hyperinsulinism.
Transitory neonatal diabetes mellitus. Also called: Transient neonatal diabetes mellitus. Identifiers: MedGen C0342273, MONDO:0020525, HP:0008255.
Maturity-onset diabetes of the young (MODY). Also called: Maturity onset diabetes mellitus in young. Identifiers: Orphanet 552, MedGen C0342276, MONDO:0018911, HP:0004904.

Allele frequency attached by ClinVar (database versions not stated): gnomAD 0.00011; 1000 Genomes Project 30x 0.00016; 1000 Genomes Project 0.00020; gnomAD exomes 0.00023 and 0.00110; TOPMed 0.00037; ExAC 0.00088.
gnomAD v4.1: 338 of 1,612,362 alleles (0.021%); highest among the groups gnomAD compares: Admixed American, 0.56%; 3 homozygotes.

Submissions (7):

Labcorp Genetics (formerly Invitae), Labcorp
Classification: Benign. Last evaluated: 2026-02-04. Review status: criteria provided, single submitter. Criteria: Invitae Variant Classification Sherloc (09022015). Collection method: clinical testing. Allele origin: germline.

Women's Health and Genetics/Laboratory Corporation of America, LabCorp
Classification: Likely benign. Last evaluated: 2024-11-19. Review status: criteria provided, single submitter. Criteria: LabCorp Variant Classification Summary - May 2015. Collection method: clinical testing. Allele origin: germline.

ARUP Laboratories, Molecular Genetics and Genomics, ARUP Laboratories
Classification: Likely benign. Last evaluated: 2024-06-17. Review status: criteria provided, single submitter. Criteria: ARUP Molecular Germline Variant Investigation Process 2024. Collection method: clinical testing. Allele origin: germline.

Ambry Genetics
Classification: Likely benign for Inborn genetic diseases. Last evaluated: 2023-01-14. Review status: criteria provided, single submitter. Criteria: Ambry Variant Classification Scheme 2023. Collection method: clinical testing. Allele origin: germline.

Clinical Genomics, Uppaluri K&H Personalized Medicine Clinic
Classification: Uncertain significance for Maturity-onset diabetes of the young. Review status: criteria provided, single submitter. Criteria: K & H Uppaluri Personalized Medicine Clinic Variant Classification & Assertion Criteria_Updated V.1. Collection method: research. Allele origin: unknown. Inheritance: Somatic mutation.
Comment: Mutations in ABCC8 gene are associated with both neonatal diabetes mellitus as well as MODY. Patients with this mutation may have a better response to sulfonylureas. However, no sufficient evidence is found to ascertain the role of this particular variant ( rs189746511) in MODY yet.

Clinical Genomics, Uppaluri K&H Personalized Medicine Clinic
Classification: Uncertain significance for Transitory neonatal diabetes mellitus. Review status: criteria provided, single submitter. Criteria: K & H Uppaluri Personalized Medicine Clinic Variant Classification & Assertion Criteria_Updated V.1. Collection method: research. Allele origin: unknown. Inheritance: Somatic mutation.
Comment: Mutations in ABCC8 gene are associated with both neonatal diabetes mellitus as well as MODY. Patients with this mutation may have a better response to sulfonylureas. However, no sufficient evidence is found to ascertain the role of this particular variant ( rs189746511) in neonatal diabetes yet.

Natera, Inc.
Classification: Benign for Hereditary hyperinsulinism. Last evaluated: 2019-10-22. Review status: no assertion criteria provided. Collection method: clinical testing. Allele origin: germline. Not counted in ClinVar's aggregate classification.

Literature cited by the submitters: PubMed 16885549 (cited by Clinical Genomics, Uppaluri K&H Personalized Medicine Clinic); PubMed 21989597 (cited by Clinical Genomics, Uppaluri K&H Personalized Medicine Clinic); PubMed 27538677 (cited by Clinical Genomics, Uppaluri K&H Personalized Medicine Clinic); PubMed 18981553 (cited by Clinical Genomics, Uppaluri K&H Personalized Medicine Clinic); PubMed 32027066 (cited by Clinical Genomics, Uppaluri K&H Personalized Medicine Clinic); PubMed 16613899 (cited by Clinical Genomics, Uppaluri K&H Personalized Medicine Clinic); PubMed 18025408 (cited by Clinical Genomics, Uppaluri K&H Personalized Medicine Clinic); PubMed 32792356 (cited by Clinical Genomics, Uppaluri K&H Personalized Medicine Clinic).

NM_000352.6(ABCC8):c.102G>A (p.Val34=)

Gene: ABCC8 (ATP binding cassette subfamily C member 8; minus strand). Cytogenetic location: 11p15.1.
Variant type: single nucleotide variant.
Coding change: c.102G>A on transcript NM_000352.6 (MANE Select); coding-DNA position 102, G replaced by A.
Protein change: p.Val34=; no amino-acid change (valine 34 retained).
Molecular consequence: synonymous variant. On other transcripts: non-coding transcript variant (1).
Genome position (GRCh38, 1-based): chr11:17,476,675, C>T on the plus strand (G>A on the coding strand, the complement: ABCC8 is on the minus strand). VCF-style: chr11-17476675-C-T. GRCh37 (hg19) VCF-style: chr11-17498222-C-T.
Other names: c.102G>A, p.Val34= (NM_001287174.3, NM_001351295.2, NM_001351296.2 and 1 more transcripts); c.102G>A (NM_000352.3).
Identifiers: ClinVar variation 976552 (VCV000976552.18), dbSNP rs189746511, ClinGen allele CA5903982.